The following is an entry in ClinVar:

ClinVar aggregate classification (germline): Uncertain significance (1 of 4 stars; one submission).

Allele frequency attached by ClinVar (database versions not stated): gnomAD 0.00001; TOPMed 0.00001.
gnomAD v4.1: 1 of 1,586,334 alleles (0.000063%); highest among the groups gnomAD compares: Non-Finnish European, 0.000086%; no homozygotes.

Submission:

Labcorp Genetics (formerly Invitae), Labcorp
Classification: Uncertain significance. Last evaluated: 2022-01-04. Review status: criteria provided, single submitter. Criteria: Invitae Variant Classification Sherloc (09022015). Collection method: clinical testing. Allele origin: germline.
Comment: This variant has not been reported in the literature in individuals affected with RUNX2-related conditions. This variant is not present in population databases (gnomAD no frequency). This sequence change replaces glutamine, which is neutral and polar, with arginine, which is basic and polar, at codon 64 of the RUNX2 protein (p.Gln64Arg). Algorithms developed to predict the effect of missense changes on protein structure and function (SIFT, PolyPhen-2, Align-GVGD) all suggest that this variant is likely to be tolerated. In summary, the available evidence is currently insufficient to determine the role of this variant in disease. Therefore, it has been classified as a Variant of Uncertain Significance.

NM_001024630.4(RUNX2):c.191A>G (p.Gln64Arg)

Genes: RUNX2 (RUNX family transcription factor 2; plus strand), LOC109611589 (runt related transcription factor 2 polyalanine expansion region; plus strand). Cytogenetic location: 6p21.1.
Variant type: single nucleotide variant.
Coding change: c.191A>G on transcript NM_001024630.4 (MANE Select); coding-DNA position 191, A replaced by G.
Protein change: p.Gln64Arg; replaces glutamine 64 with arginine.
Molecular consequence: missense variant.
Genome position (GRCh38, 1-based): chr6:45,422,725, A>G. VCF-style: chr6-45422725-A-G. GRCh37 (hg19) VCF-style: chr6-45390462-A-G.
Other names: c.191A>G, p.Gln64Arg (NM_001015051.4); c.149A>G, p.Gln50Arg (NM_001278478.2, NM_001369405.1, NM_004348.3); short protein forms Q50R, Q64R.
Identifiers: ClinVar variation 2074477 (VCV002074477.4), dbSNP rs1490532126, ClinGen allele CA363957847.